The following is an entry in ClinVar:

NM_001261826.3(AP3D1):c.1035C>T (p.Ile345=)

Gene: AP3D1 (adaptor related protein complex 3 subunit delta 1; minus strand). Cytogenetic location: 19p13.3.
Variant type: single nucleotide variant.
Coding change: c.1035C>T on transcript NM_001261826.3 (MANE Select); coding-DNA position 1035, C replaced by T.
Protein change: p.Ile345=; no amino-acid change (isoleucine 345 retained).
Molecular consequence: synonymous variant.
Genome position (GRCh38, 1-based): chr19:2,121,800, G>A on the plus strand (C>T on the coding strand, the complement: AP3D1 is on the minus strand). VCF-style: chr19-2121800-G-A. GRCh37 (hg19) VCF-style: chr19-2121799-G-A.
Other names: c.1035C>T, p.Ile345= (NM_001374799.1, NM_003938.8).
Identifiers: ClinVar variation 2030014 (VCV002030014.28), dbSNP rs2512175777, ClinGen allele CA504774747.

ClinVar aggregate classification (germline): Likely benign. Review status: criteria provided, multiple submitters, no conflicts (2 of 4 stars). 2 submissions from 2 submitters: Likely benign (2). Last evaluated 2024-03-07.

Allele frequency attached by ClinVar (database versions not stated): gnomAD exomes below 0.00001.
gnomAD v4.1: 4 of 1,613,484 alleles (0.00025%); highest among the groups gnomAD compares: South Asian, 0.0022%; no homozygotes.

Submissions (2):

Labcorp Genetics (formerly Invitae), Labcorp
Classification: Likely benign. Last evaluated: 2024-03-07. Review status: criteria provided, single submitter. Criteria: Invitae Variant Classification Sherloc (09022015). Collection method: clinical testing. Allele origin: germline.

CeGaT Center for Human Genetics Tuebingen
Classification: Likely benign. Last evaluated: 2022-05-01. Review status: criteria provided, single submitter. Criteria: CeGaT Center For Human Genetics Tuebingen Variant Classification Criteria Version 2. Collection method: clinical testing. Allele origin: germline. Affected: yes. Observed: 1 variant allele.
Comment: AP3D1: PM2:Supporting, BP4, BP7